The following is an entry in ClinVar:

NM_004239.4(TRIP11):c.3622C>A (p.Leu1208Ile)

Gene: TRIP11 (thyroid hormone receptor interactor 11; minus strand). Cytogenetic location: 14q32.12.
Variant type: single nucleotide variant.
Coding change: c.3622C>A on transcript NM_004239.4 (MANE Select); coding-DNA position 3622, C replaced by A.
Protein change: p.Leu1208Ile; replaces leucine 1208 with isoleucine.
Molecular consequence: missense variant.
Genome position (GRCh38, 1-based): chr14:92,004,354, G>T on the plus strand (C>A on the coding strand, the complement: TRIP11 is on the minus strand). VCF-style: chr14-92004354-G-T. GRCh37 (hg19) VCF-style: chr14-92470698-G-T.
Other names: c.3619C>A, p.Leu1207Ile (NM_001321851.1); short protein forms L1208I, L1207I.
Identifiers: ClinVar variation 1948455 (VCV001948455.5), dbSNP rs753663997, ClinGen allele CA7313603.

ClinVar aggregate classification (germline): Uncertain significance (1 of 4 stars; one submission).

Conditions:
Achondrogenesis, type IA (ACG1A). Identifiers: Orphanet 932, Orphanet 93299, MedGen C0265273, MONDO:0008701, OMIM 200600.

Allele frequency attached by ClinVar (database versions not stated): ExAC 0.00001; gnomAD exomes 0.00001.

Submission:

Labcorp Genetics (formerly Invitae), Labcorp
Classification: Uncertain significance for Achondrogenesis, type IA. Last evaluated: 2022-07-21. Review status: criteria provided, single submitter. Criteria: Invitae Variant Classification Sherloc (09022015). Collection method: clinical testing. Allele origin: germline.
Comment: In summary, the available evidence is currently insufficient to determine the role of this variant in disease. Therefore, it has been classified as a Variant of Uncertain Significance. Algorithms developed to predict the effect of missense changes on protein structure and function are either unavailable or do not agree on the potential impact of this missense change (SIFT: "Not Available"; PolyPhen-2: "Probably Damaging"; Align-GVGD: "Not Available"). This variant has not been reported in the literature in individuals affected with TRIP11-related conditions. This variant is present in population databases (rs753663997, gnomAD 0.002%). This sequence change replaces leucine, which is neutral and non-polar, with isoleucine, which is neutral and non-polar, at codon 1208 of the TRIP11 protein (p.Leu1208Ile).